The following is an entry in ClinVar:

NM_001039141.3(TRIOBP):c.3662G>A (p.Arg1221Gln)

Gene: TRIOBP (TRIO and F-actin binding protein; plus strand). Cytogenetic location: 22q13.1.
Variant type: single nucleotide variant.
Coding change: c.3662G>A on transcript NM_001039141.3 (MANE Select); coding-DNA position 3662, G replaced by A.
Protein change: p.Arg1221Gln; replaces arginine 1221 with glutamine.
Molecular consequence: missense variant.
Genome position (GRCh38, 1-based): chr22:37,726,218, G>A. VCF-style: chr22-37726218-G-A. GRCh37 (hg19) VCF-style: chr22-38122225-G-A.
Other names: short protein forms R1221Q.
Identifiers: ClinVar variation 1254535 (VCV001254535.19), dbSNP rs200559738, ClinGen allele CA10224175.

ClinVar aggregate classification (germline): Uncertain significance. Review status: criteria provided, multiple submitters, no conflicts (2 of 4 stars). 10 submissions from 10 submitters: Uncertain significance (8). 2 of the submissions do not count toward it. Last evaluated 2025-07-03.

Conditions:
Autosomal recessive nonsyndromic hearing loss 28. Identifiers: Orphanet 90636, MedGen C1853276, MONDO:0012355, OMIM 609823.
TRIOBP-related disorder. Also called: TRIOBP-related condition.

Allele frequency attached by ClinVar (database versions not stated): 1000 Genomes Project 30x 0.00016; 1000 Genomes Project 0.00020; ExAC 0.00033; ESP Exome Variant Server 0.00033; gnomAD exomes 0.00033; gnomAD 0.00036 and 0.00037; TOPMed 0.00038.
gnomAD v4.1: 950 of 1,602,970 alleles (0.059%); highest among the groups gnomAD compares: Non-Finnish European, 0.076%; 1 homozygote.

Submissions (10):

GeneDx
Classification: Uncertain significance. Last evaluated: 2025-07-03. Review status: criteria provided, single submitter. Criteria: GeneDx Variant Classification Process June 2021. Collection method: clinical testing. Allele origin: germline. Affected: yes.
Comment: Observed in the heterozygous state with p.(E1314D) in multiple individuals with bilateral hearing loss referred for genetic testing at GeneDx and in published literature (PMID: 26969326); one patient was found to have these variants on the same allele (in cis) (PMID: 36029164); In silico analysis suggests that this missense variant does not alter protein structure/function; This variant is associated with the following publications: (PMID: 29197352, 28089734, 27068579, 36029164, 26969326)

PreventionGenetics, part of Exact Sciences
Classification: Uncertain significance for TRIOBP-related condition. Last evaluated: 2025-06-21. Review status: criteria provided, single submitter. Criteria: ACMG Guidelines, 2015. Collection method: clinical testing. Allele origin: germline.
Comment: The TRIOBP c.3662G>A variant is predicted to result in the amino acid substitution p.Arg1221Gln. This variant was reported in an individual with hearing loss, being in cis with c.3942G>C (p.Glu1314Asp) and in trans to a third variant we interpret as benign(Table S3, Sloan-Heggen et al. 2016. PubMed ID: 26969326). This variant is reported in 0.062% of alleles in individuals of European (Non-Finnish) descent in gnomAD. At this time, the clinical significance of this variant is uncertain due to the absence of conclusive functional and genetic evidence.

Women's Health and Genetics/Laboratory Corporation of America, LabCorp
Classification: Uncertain significance. Last evaluated: 2025-03-31. Review status: criteria provided, single submitter. Criteria: LabCorp Variant Classification Summary - May 2015. Collection method: clinical testing. Allele origin: germline.
Comment: Variant summary: TRIOBP c.3662G>A (p.Arg1221Gln) results in a conservative amino acid change in the encoded protein sequence. Four of four in-silico tools predict a benign effect of the variant on protein function. The variant allele was found at a frequency of 0.00033 in 242782 control chromosomes. This frequency is not significantly higher than estimated for a pathogenic variant in TRIOBP causing Autosomal Recessive Nonsyndromic Hearing Loss 28, allowing no conclusion about variant significance. c.3662G>A has been reported in the literature in individuals affected with Autosomal Recessive Hearing Loss (example:Sloan-Heggen_2016, Kabahuma_2022). These report(s) do not provide unequivocal conclusions about association of the variant with Autosomal Recessive Nonsyndromic Hearing Loss 28. To our knowledge, no experimental evidence demonstrating an impact on protein function has been reported. The following publications have been ascertained in the context of this evaluation (PMID: 36029164, 26969326). ClinVar contains an entry for this variant (Variation ID: 1254535). Based on the evidence outlined above, the variant was classified as uncertain significance.

Revvity Omics, Revvity
Classification: Uncertain significance for Autosomal recessive nonsyndromic hearing loss 28. Last evaluated: 2024-10-23. Review status: criteria provided, single submitter. Criteria: ACMG Guidelines, 2015. Collection method: clinical testing. Allele origin: germline.

Blueprint Genetics
Classification: Uncertain significance. Last evaluated: 2024-10-02. Review status: criteria provided, single submitter. Criteria: ACMG Guidelines, 2015. Collection method: clinical testing. Allele origin: germline.

Labcorp Genetics (formerly Invitae), Labcorp
Classification: Uncertain significance. Last evaluated: 2022-08-15. Review status: criteria provided, single submitter. Criteria: Invitae Variant Classification Sherloc (09022015). Collection method: clinical testing. Allele origin: germline.
Comment: This sequence change replaces arginine, which is basic and polar, with glutamine, which is neutral and polar, at codon 1221 of the TRIOBP protein (p.Arg1221Gln). This variant is present in population databases (rs200559738, gnomAD 0.06%). This missense change has been observed in individual(s) with TRIOBP-related conditions (PMID: 26969326). ClinVar contains an entry for this variant (Variation ID: 1254535). Algorithms developed to predict the effect of missense changes on protein structure and function are either unavailable or do not agree on the potential impact of this missense change (SIFT: "Deleterious"; PolyPhen-2: "Probably Damaging"; Align-GVGD: "Class C0"). Algorithms developed to predict the effect of sequence changes on RNA splicing suggest that this variant may create or strengthen a splice site. In summary, the available evidence is currently insufficient to determine the role of this variant in disease. Therefore, it has been classified as a Variant of Uncertain Significance.

Fulgent Genetics
Classification: Uncertain significance for Autosomal recessive nonsyndromic hearing loss 28. Last evaluated: 2021-07-29. Review status: criteria provided, single submitter. Criteria: ACMG Guidelines, 2015. Collection method: clinical testing. Allele origin: unknown.

Victorian Clinical Genetics Services, Murdoch Childrens Research Institute
Classification: Uncertain significance for Autosomal recessive nonsyndromic hearing loss 28. Last evaluated: 2020-05-21. Review status: criteria provided, single submitter. Criteria: ACMG Guidelines, 2015. Collection method: clinical testing. Allele origin: germline. Inheritance: Autosomal recessive inheritance. Affected: yes.
Comment: A heterozygous missense variant was identified, NM_001039141.2(TRIOBP):c.3662G>A in exon 7 of the TRIOBP gene. (NB: this variant is non-coding in alternative transcripts). This substitution is predicted to create a minor amino acid change from an arginine to a glutamine at position 1221 of the protein; NP_001034230.1(TRIOBP):p.(Arg1221Gln). The arginine at this position has high conservation (100 vertebrates, UCSC), but is not situated in a known functional domain (NCBI, PDB). In silico software predicts this variant to be tolerated (PolyPhen2, PROVEAN, MutationAssessor, FATHMM). The variant is present in the gnomAD population database at a global population frequency of 0.033% (89 heterozygotes, 0 homozygotes) with a European sub-population frequency of 0.062%. This variant has been previously reported as a VUS (LOVD, Sommen, M. et al. (2016), Wesdorp, M. et al. (2017)). Based on information available at the time of curation, this variant has been classified as a VUS with LOW CLINICAL RELEVANCE.

Clinical Genetics DNA and cytogenetics Diagnostics Lab, Erasmus MC, Erasmus Medical Center
Classification: Uncertain significance. Review status: no assertion criteria provided. Collection method: clinical testing. Allele origin: germline. Affected: yes. Study: VKGL Data-share Consensus. Not counted in ClinVar's aggregate classification.

Joint Genome Diagnostic Labs from Nijmegen and Maastricht, Radboudumc and MUMC+
Classification: Uncertain significance. Review status: no assertion criteria provided. Collection method: clinical testing. Allele origin: germline. Affected: yes. Study: VKGL Data-share Consensus. Not counted in ClinVar's aggregate classification.

Literature cited by the submitters: PubMed 26969326 (cited by Women's Health and Genetics/Laboratory Corporation of America, LabCorp and Labcorp Genetics (formerly Invitae), Labcorp); PubMed 36029164 (cited by Women's Health and Genetics/Laboratory Corporation of America, LabCorp); PubMed 27068579 (cited by Victorian Clinical Genetics Services, Murdoch Childrens Research Institute); PubMed 28089734 (cited by Victorian Clinical Genetics Services, Murdoch Childrens Research Institute).